The following is an entry in ClinVar:

NM_006514.4(SCN10A):c.919C>A (p.Pro307Thr)

Gene: SCN10A (sodium voltage-gated channel alpha subunit 10; minus strand). Cytogenetic location: 3p22.2.
Variant type: single nucleotide variant.
Coding change: c.919C>A on transcript NM_006514.4 (MANE Select); coding-DNA position 919, C replaced by A.
Protein change: p.Pro307Thr; replaces proline 307 with threonine.
Molecular consequence: missense variant.
Genome position (GRCh38, 1-based): chr3:38,760,712, G>T on the plus strand (C>A on the coding strand, the complement: SCN10A is on the minus strand). VCF-style: chr3-38760712-G-T. GRCh37 (hg19) VCF-style: chr3-38802203-G-T.
Other names: c.919C>A, p.Pro307Thr (NM_001293306.2, NM_001293307.2); short protein forms P307T.
Identifiers: ClinVar variation 4769952 (VCV004769952.1).

ClinVar aggregate classification (germline): Uncertain significance (1 of 4 stars; one submission).

Conditions:
Brugada syndrome. Also called: Sudden unexpected nocturnal death syndrome; Sudden Unexplained Death Syndrome; Sudden Unexplained Nocturnal Death Syndrome (SUNDS); Sudden unexplained nocturnal death syndrome. Identifiers: Orphanet 130, MedGen C1142166, MONDO:0015263.

gnomAD v4.1: 2 of 1,613,870 alleles (0.00012%); highest among the groups gnomAD compares: African/African-American, 0.0013%; no homozygotes.

Submission:

Labcorp Genetics (formerly Invitae), Labcorp
Classification: Uncertain significance for Brugada syndrome. Last evaluated: 2025-03-18. Review status: criteria provided, single submitter. Criteria: Invitae Variant Classification Sherloc (09022015). Collection method: clinical testing. Allele origin: germline.
Comment: This sequence change replaces proline, which is neutral and non-polar, with threonine, which is neutral and polar, at codon 307 of the SCN10A protein (p.Pro307Thr). This variant is present in population databases (rs761285678, gnomAD 0.007%). This variant has not been reported in the literature in individuals affected with SCN10A-related conditions. Invitae Evidence Modeling of protein sequence and biophysical properties (such as structural, functional, and spatial information, amino acid conservation, physicochemical variation, residue mobility, and thermodynamic stability) has been performed for this missense variant. However, the output from this modeling did not meet the statistical confidence thresholds required to predict the impact of this variant on SCN10A protein function. In summary, the available evidence is currently insufficient to determine the role of this variant in disease. Therefore, it has been classified as a Variant of Uncertain Significance.